The following is an entry in ClinVar:

ClinVar aggregate classification (germline): Likely benign. Review status: criteria provided, multiple submitters, no conflicts (2 of 4 stars). 4 submissions from 4 submitters: Likely benign (4). Last evaluated 2026-01-12.

Conditions:
Joubert syndrome 21 (JBTS21). Identifiers: MedGen C3810212, MONDO:0014288, OMIM 615636.

Allele frequency attached by ClinVar (database versions not stated): ExAC 0.00002; gnomAD 0.00003 and 0.00004; gnomAD exomes 0.00003 and 0.00004; TOPMed 0.00003.
gnomAD v4.1: 55 of 1,608,860 alleles (0.0034%); highest among the groups gnomAD compares: Non-Finnish European, 0.0044%; no homozygotes.

Submissions (4):

Labcorp Genetics (formerly Invitae), Labcorp
Classification: Likely benign for Joubert syndrome 21. Last evaluated: 2026-01-12. Review status: criteria provided, single submitter. Criteria: Invitae Variant Classification Sherloc (09022015). Collection method: clinical testing. Allele origin: germline.

CeGaT Center for Human Genetics Tuebingen
Classification: Likely benign. Last evaluated: 2025-06-01. Review status: criteria provided, single submitter. Criteria: CeGaT Center For Human Genetics Tuebingen Variant Classification Criteria Version 2. Collection method: clinical testing. Allele origin: germline. Affected: yes. Observed: 1 variant allele.
Comment: CSPP1: BP4, BP7

Laboratory of Genetics, Children's Clinical University Hospital Latvia
Classification: Likely benign. Last evaluated: 2025-02-16. Review status: criteria provided, single submitter. Criteria: ACMG Guidelines, 2015. Collection method: clinical testing. Allele origin: germline. Affected: yes.

Blueprint Genetics
Classification: Likely benign. Last evaluated: 2024-10-02. Review status: criteria provided, single submitter. Criteria: ACMG Guidelines, 2015. Collection method: clinical testing. Allele origin: germline.

NM_001382391.1(CSPP1):c.15G>A (p.Leu5=)

Gene: CSPP1 (centrosome and spindle pole associated protein 1; plus strand). Cytogenetic location: 8q13.1.
Variant type: single nucleotide variant.
Coding change: c.15G>A on transcript NM_001382391.1 (MANE Select); coding-DNA position 15, G replaced by A.
Protein change: p.Leu5=; no amino-acid change (leucine 5 retained).
Molecular consequence: synonymous variant.
Genome position (GRCh38, 1-based): chr8:67,074,267, G>A. VCF-style: chr8-67074267-G-A. GRCh37 (hg19) VCF-style: chr8-67986502-G-A.
Other names: c.15G>A, p.Leu5= (NM_001363131.2, NM_001363132.2, NM_001363133.2); c.123G>A, p.Leu41= (NM_001364869.1, NM_001364870.1, NM_024790.7).
Identifiers: ClinVar variation 962634 (VCV000962634.20), dbSNP rs755838311, ClinGen allele CA4770100.